The following is an entry in ClinVar:

ClinVar aggregate classification (germline): Likely benign (1 of 4 stars; one submission).

Conditions:
Hidrotic ectodermal dysplasia syndrome (GJB6). Also called: Ectodermal dysplasia 2, hidrotic; Autosomal dominant hidrotic ectodermal dysplasia; Clouston syndrome; Clouston's hidrotic ectodermal dysplasia; Hidrotic ectodermal dysplasia; CLOUSTON HIDROTIC ECTODERMAL DYSPLASIA. Identifiers: Orphanet 189, MedGen C0162361, MONDO:0007510, OMIM 129500.

Allele frequency attached by ClinVar (database versions not stated): 1000 Genomes Project 30x 0.00031; 1000 Genomes Project 0.00040; gnomAD 0.00066 and 0.00063; TOPMed 0.00065.

Submission:

Illumina Laboratory Services, Illumina
Classification: Likely benign for Hidrotic ectodermal dysplasia syndrome. Last evaluated: 2018-01-13. Review status: criteria provided, single submitter. Criteria: ICSL Variant Classification Criteria 13 December 2019. Collection method: clinical testing. Allele origin: germline.
Comment: This variant was observed in the ICSL laboratory as part of a predisposition screen in an ostensibly healthy population. It had not been previously curated by ICSL or reported in the Human Gene Mutation Database (HGMD: prior to June 1st, 2018), and was therefore a candidate for classification through an automated scoring system. Utilizing variant allele frequency, disease prevalence and penetrance estimates, and inheritance mode, an automated score was calculated to assess if this variant is too frequent to cause the disease. Based on the score and internal cut-off values, a variant classified as likely benign is not then subjected to further curation. The score for this variant resulted in a classification of likely benign for this disease.

NM_001110219.3(GJB6):c.-295-227C>T

Gene: GJB6 (gap junction protein beta 6; minus strand). Cytogenetic location: 13q12.11.
Variant type: single nucleotide variant.
Coding change: c.-295-227C>T on transcript NM_001110219.3 (MANE Select); 227 bases into the intron before 295 bases upstream of the start codon, C replaced by T.
Molecular consequence: intron variant.
Genome position (GRCh38, 1-based): chr13:20,231,034, G>A on the plus strand (C>T on the coding strand, the complement: GJB6 is on the minus strand). VCF-style: chr13-20231034-G-A. GRCh37 (hg19) VCF-style: chr13-20805173-G-A.
Other names: c.-186+1160C>T (NM_001110221.3); c.-186+348C>T (NM_001370091.1, NM_001110220.3); c.-301-221C>T (NM_001370090.1); c.-295-227C>T (NM_001370092.1).
Identifiers: ClinVar variation 881243 (VCV000881243.6), dbSNP rs138547643, ClinGen allele CA246459657.